The following is an entry in ClinVar:

NM_000368.5(TSC1):c.161del (p.Ser54fs)

Gene: TSC1 (TSC complex subunit 1; minus strand). Cytogenetic location: 9q34.13.
Variant type: Deletion.
Coding change: c.161del on transcript NM_000368.5 (MANE Select); coding-DNA position 161, one base deleted (C; older notation c.161delC).
Protein change: p.Ser54fs; shifts the reading frame from serine 54.
Molecular consequence: frameshift variant. On other transcripts: intron variant (9), 5 prime UTR variant (9), non-coding transcript variant (4).
Genome position (GRCh38, 1-based): chr9:132,927,250, G deleted on the plus strand (C on the coding strand, the reverse complement: TSC1 is on the minus strand). VCF-style (leftmost placement, unchanged base first): chr9-132927249-AG-A. GRCh37 (hg19) VCF-style: chr9-135802636-AG-A.
Other names: c.161del, p.Ser54fs (NM_001406605.1, NM_001406606.1, NM_001406607.1 and 21 more transcripts); c.-153-1511del (NM_001406620.1, NM_001406618.1, NM_001406625.1 and 5 more transcripts); c.-245-1511del (NM_001406614.1); c.-328del (NM_001406615.1, NM_001406623.1); c.-295del (NM_001406616.1, NM_001406624.1); c.-717del (NM_001406626.1, NM_001406627.1, NM_001406628.1); c.-859del (NM_001406629.1); c.-933del (NM_001406630.1); short protein forms S54fs.
Identifiers: ClinVar variation 2826776 (VCV002826776.3), dbSNP rs2539111893, ClinGen allele CA2739265174.
Genomic context (GRCh38, chr9:132,927,249, plus strand): 5'-TTCAGCCATTACCTTGTCATGTGGCTCTTGCAAGGTGGTCAGGATGTGCAATGCCGGCTG[AG>A]AGCTGGTTTCCAGGTAATAATCCACCAAGGTGTTTACAAGCATAGGGCCACGGTCTAAAT-3'

ClinVar aggregate classification (germline): Pathogenic (1 of 4 stars; one submission).

Conditions:
Tuberous sclerosis 1 (TSC1). Identifiers: Orphanet 805, MedGen C1854465, MONDO:0008612, OMIM 191100.

Submission:

Labcorp Genetics (formerly Invitae), Labcorp
Classification: Pathogenic for Tuberous sclerosis 1. Last evaluated: 2023-01-07. Review status: criteria provided, single submitter. Criteria: Invitae Variant Classification Sherloc (09022015). Collection method: clinical testing. Allele origin: germline.
Comment: For these reasons, this variant has been classified as Pathogenic. This variant has not been reported in the literature in individuals affected with TSC1-related conditions. This variant is not present in population databases (gnomAD no frequency). This sequence change creates a premature translational stop signal (p.Ser54Phefs*8) in the TSC1 gene. It is expected to result in an absent or disrupted protein product. Loss-of-function variants in TSC1 are known to be pathogenic (PMID: 10227394, 17304050).

Literature cited by the submitters: PubMed 10227394; PubMed 17304050.